The following is an entry in ClinVar:

ClinVar aggregate classification (germline): Uncertain significance (1 of 4 stars; one submission).

Submission:

GeneDx
Classification: Uncertain significance. Last evaluated: 2025-05-22. Review status: criteria provided, single submitter. Criteria: GeneDx Variant Classification Process June 2021. Collection method: clinical testing. Allele origin: germline. Affected: yes.
Comment: Not observed at significant frequency in large population cohorts (gnomAD); In silico analysis supports that this missense variant has a deleterious effect on protein structure/function; Has not been previously published as pathogenic or benign to our knowledge

NM_152424.4(AMER1):c.1111G>A (p.Glu371Lys)

Gene: AMER1 (APC membrane recruitment protein 1; minus strand). Cytogenetic location: Xq11.2.
Variant type: single nucleotide variant.
Coding change: c.1111G>A on transcript NM_152424.4 (MANE Select); coding-DNA position 1111, G replaced by A.
Protein change: p.Glu371Lys; replaces glutamic acid 371 with lysine.
Molecular consequence: missense variant.
Genome position (GRCh38, 1-based): chrX:64,192,176, C>T on the plus strand (G>A on the coding strand, the complement: AMER1 is on the minus strand). VCF-style: chrX-64192176-C-T. GRCh37 (hg19) VCF-style: chrX-63412056-C-T.
Other names: short protein forms E371K.
Identifiers: ClinVar variation 4532348 (VCV004532348.1).
Genomic context (GRCh38, chrX:64,192,176, plus strand): 5'-CTAATTCCACCTCTTCTTCCTCTTCTTCCTCCTCGTCATCATCATCTGGCAAGGCCATCT[C>T]CTCCCCACCTCCTTGGTAGGTCACCAGGCAGGAACTTCGCTTGGTCCCATCTCGGTTTGC-3'
Protein context (NP_689637.3, residues 361-381): CLVTYQGGGE[Glu371Lys]MALPDDDDEE